The following is an entry in ClinVar:

NM_001365999.1(SZT2):c.5950C>T (p.Leu1984Phe)

Gene: SZT2 (SZT2 subunit of KICSTOR complex; plus strand). Cytogenetic location: 1p34.2.
Variant type: single nucleotide variant.
Coding change: c.5950C>T on transcript NM_001365999.1 (MANE Select); coding-DNA position 5950, C replaced by T.
Protein change: p.Leu1984Phe; replaces leucine 1984 with phenylalanine.
Molecular consequence: missense variant.
Genome position (GRCh38, 1-based): chr1:43,435,245, C>T. VCF-style: chr1-43435245-C-T. GRCh37 (hg19) VCF-style: chr1-43900916-C-T.
Other names: c.5779C>T, p.Leu1927Phe (NM_015284.4); short protein forms L1927F, L1984F.
Identifiers: ClinVar variation 2152436 (VCV002152436.2), dbSNP rs754268805, ClinGen allele CA809751.

ClinVar aggregate classification (germline): Uncertain significance (1 of 4 stars; one submission).

Allele frequency attached by ClinVar (database versions not stated): gnomAD exomes below 0.00001; ExAC 0.00001.
gnomAD v4.1: 1 of 1,614,244 alleles (0.000062%); highest among the groups gnomAD compares: Non-Finnish European, 0.000085%; no homozygotes.

Submission:

Labcorp Genetics (formerly Invitae), Labcorp
Classification: Uncertain significance. Last evaluated: 2022-02-28. Review status: criteria provided, single submitter. Criteria: Invitae Variant Classification Sherloc (09022015). Collection method: clinical testing. Allele origin: germline.
Comment: In summary, the available evidence is currently insufficient to determine the role of this variant in disease. Therefore, it has been classified as a Variant of Uncertain Significance. Algorithms developed to predict the effect of missense changes on protein structure and function are either unavailable or do not agree on the potential impact of this missense change (SIFT: "Deleterious"; PolyPhen-2: "Probably Damaging"; Align-GVGD: "Class C15"). This variant has not been reported in the literature in individuals affected with SZT2-related conditions. This variant is present in population databases (rs754268805, gnomAD 0.004%). This sequence change replaces leucine, which is neutral and non-polar, with phenylalanine, which is neutral and non-polar, at codon 1927 of the SZT2 protein (p.Leu1927Phe).